The following is an entry in ClinVar:

ClinVar aggregate classification (germline): Likely benign. Review status: criteria provided, multiple submitters, no conflicts (2 of 4 stars). 4 submissions from 4 submitters: Likely benign (3). 1 of the submissions does not count toward it. Last evaluated 2026-03-01.

Conditions:
LOXHD1-related disorder. Also called: LOXHD1-related condition.

Allele frequency attached by ClinVar (database versions not stated): TOPMed 0.00037; 1000 Genomes Project 0.00040; 1000 Genomes Project 30x 0.00047.
gnomAD v4.1: 245 of 1,549,294 alleles (0.016%); highest among the groups gnomAD compares: African/African-American, 0.059%; no homozygotes.

Submissions (4):

CeGaT Center for Human Genetics Tuebingen
Classification: Likely benign. Last evaluated: 2026-03-01. Review status: criteria provided, single submitter. Criteria: CeGaT Center For Human Genetics Tuebingen Variant Classification Criteria Version 2. Collection method: clinical testing. Allele origin: germline. Affected: yes. Observed: 1 variant allele.
Comment: LOXHD1: BP4, BP7

Labcorp Genetics (formerly Invitae), Labcorp
Classification: Likely benign. Last evaluated: 2025-12-07. Review status: criteria provided, single submitter. Criteria: Invitae Variant Classification Sherloc (09022015). Collection method: clinical testing. Allele origin: germline.

Laboratory for Molecular Medicine, Mass General Brigham Personalized Medicine
Classification: Likely benign. Last evaluated: 2017-10-24. Review status: criteria provided, single submitter. Criteria: LMM Criteria. Collection method: clinical testing. Allele origin: germline. Observed: 1 variant allele.
Comment: p.Arg751Arg in exon 17 of LOXHD1: This variant is not expected to have clinical significance because it does not alter an amino acid residue and is not located within the splice consensus sequence. It has been identified in 0.08% (13/16316) of African chromosomes by the Genome Aggregation Database (gnomAD, d.; dbSNP rs376539851).

PreventionGenetics, part of Exact Sciences
Classification: Likely benign for LOXHD1-related condition. Last evaluated: 2020-12-09. Review status: no assertion criteria provided. Collection method: clinical testing. Allele origin: germline. Not counted in ClinVar's aggregate classification.
Comment: This variant is classified as likely benign based on ACMG/AMP sequence variant interpretation guidelines (Richards et al. 2015 PMID: 25741868, with internal and published modifications).

NM_001384474.1(LOXHD1):c.2251C>A (p.Arg751=)

Gene: LOXHD1 (lipoxygenase homology PLAT domains 1; minus strand). Cytogenetic location: 18q21.1.
Variant type: single nucleotide variant.
Coding change: c.2251C>A on transcript NM_001384474.1 (MANE Select); coding-DNA position 2251, C replaced by A.
Protein change: p.Arg751=; no amino-acid change (arginine 751 retained).
Molecular consequence: synonymous variant.
Genome position (GRCh38, 1-based): chr18:46,566,443, G>T on the plus strand (C>A on the coding strand, the complement: LOXHD1 is on the minus strand). VCF-style: chr18-46566443-G-T. GRCh37 (hg19) VCF-style: chr18-44146406-G-T.
Other names: c.2251C>A, p.Arg751= (NM_144612.7).
Identifiers: ClinVar variation 517569 (VCV000517569.21), dbSNP rs376539851, ClinGen allele CA8952691.